The following is an entry in ClinVar:

ClinVar aggregate classification (germline): Uncertain significance. Review status: criteria provided, multiple submitters, no conflicts (2 of 4 stars). 2 submissions from 2 submitters: Uncertain significance (2). Last evaluated 2026-01-02.

Conditions:
Pancreatic adenocarcinoma. Identifiers: MedGen C0281361, MONDO:0006047, HP:0006725.

Allele frequency attached by ClinVar (database versions not stated): gnomAD exomes 0.00003 and 0.00004; gnomAD 0.00006 and 0.00007; TOPMed 0.00006; ExAC 0.00009; 1000 Genomes Project 30x 0.00031.
gnomAD v4.1: 60 of 1,519,978 alleles (0.0039%); highest among the groups gnomAD compares: Admixed American, 0.024%; no homozygotes.

Submissions (2):

Labcorp Genetics (formerly Invitae), Labcorp
Classification: Uncertain significance for Pancreatic adenocarcinoma. Last evaluated: 2026-01-02. Review status: criteria provided, single submitter. Criteria: Invitae Variant Classification Sherloc (09022015). Collection method: clinical testing. Allele origin: germline.
Comment: This sequence change replaces proline, which is neutral and non-polar, with leucine, which is neutral and non-polar, at codon 109 of the PALLD protein (p.Pro109Leu). This variant is present in population databases (rs774034818, gnomAD 0.01%). This variant has not been reported in the literature in individuals affected with PALLD-related conditions. ClinVar contains an entry for this variant (Variation ID: 576408). An algorithm developed to predict the effect of missense changes on protein structure and function (PolyPhen-2) suggests that this variant is likely to be tolerated. In summary, the available evidence is currently insufficient to determine the role of this variant in disease. Therefore, it has been classified as a Variant of Uncertain Significance.

Ambry Genetics
Classification: Uncertain significance. Last evaluated: 2024-12-13. Review status: criteria provided, single submitter. Criteria: Ambry Variant Classification Scheme 2023. Collection method: clinical testing. Allele origin: germline.
Comment: The p.P109L variant (also known as c.326C>T), located in coding exon 1 of the PALLD gene, results from a C to T substitution at nucleotide position 326. The proline at codon 109 is replaced by leucine, an amino acid with similar properties. This amino acid position is highly conserved in available vertebrate species. In addition, the in silico prediction for this alteration is inconclusive. Based on the available evidence, the clinical significance of this variant remains unclear.

NM_001166108.2(PALLD):c.1965-12705C>T

Gene: PALLD (palladin, cytoskeletal associated protein; plus strand). Cytogenetic location: 4q32.3.
Variant type: single nucleotide variant.
Coding change: c.1965-12705C>T on transcript NM_001166108.2 (MANE Select); 12705 bases into the intron before coding-DNA position 1965, C replaced by T.
Molecular consequence: intron variant. On other transcripts: missense variant (1).
Genome position (GRCh38, 1-based): chr4:168,878,217, C>T. VCF-style: chr4-168878217-C-T. GRCh37 (hg19) VCF-style: chr4-169799368-C-T.
Other names: c.326C>T, p.Pro109Leu (NM_001166110.2); c.1965-12705C>T (NM_016081.4); c.819-12705C>T (NM_001166109.2); c.-157-12705C>T (NM_001367570.1, NM_001367568.1, NM_001367567.1 and 1 more transcripts); short protein forms P109L.
Identifiers: ClinVar variation 576408 (VCV000576408.10), dbSNP rs774034818, ClinGen allele CA3135776.